The following is an entry in ClinVar:

ClinVar aggregate classification (germline): Uncertain significance (1 of 4 stars; one submission).

Submission:

GeneDx
Classification: Uncertain significance. Last evaluated: 2025-03-26. Review status: criteria provided, single submitter. Criteria: GeneDx Variant Classification Process June 2021. Collection method: clinical testing. Allele origin: germline. Affected: yes.
Comment: Canonical splice site variant in a gene or region of a gene for which loss of function is not a well-established mechanism of disease; Not observed at significant frequency in large population cohorts (gnomAD); Has not been previously published as pathogenic or benign to our knowledge

NM_005027.4(PIK3R2):c.1290+1G>A

Gene: PIK3R2 (phosphoinositide-3-kinase regulatory subunit 2; plus strand). Cytogenetic location: 19p13.11.
Variant type: single nucleotide variant.
Coding change: c.1290+1G>A on transcript NM_005027.4 (MANE Select); the canonical splice donor site of the intron after coding-DNA position 1290, G replaced by A.
Molecular consequence: splice donor variant.
Genome position (GRCh38, 1-based): chr19:18,163,148, G>A. VCF-style: chr19-18163148-G-A. GRCh37 (hg19) VCF-style: chr19-18273958-G-A.
Identifiers: ClinVar variation 4088113 (VCV004088113.1).